The following is an entry in ClinVar:

NM_015443.4(KANSL1):c.56G>A (p.Arg19Gln)

Gene: KANSL1 (KAT8 regulatory NSL complex subunit 1). Cytogenetic location: 17q21.31.
Variant type: single nucleotide variant.
Coding change: c.56G>A on transcript NM_015443.4 (MANE Select); coding-DNA position 56, G replaced by A.
Protein change: p.Arg19Gln; replaces arginine 19 with glutamine.
Molecular consequence: missense variant.
Genome position (GRCh38, 1-based): chr17:46,172,088, C>T on the plus strand (G>A on the coding strand, the complement: KANSL1 is on the minus strand). VCF-style: chr17-46172088-C-T. GRCh37 (hg19) VCF-style: chr17-44249454-C-T.
Other names: c.56G>A, p.Arg19Gln (NM_001193465.2, NM_001193466.2, NM_001379198.1); short protein forms R19Q.
Identifiers: ClinVar variation 380591 (VCV000380591.4), dbSNP rs767960522, ClinGen allele CA8619121.

ClinVar aggregate classification (germline): Conflicting classifications of pathogenicity. Review status: criteria provided, conflicting classifications (1 of 4 stars). 3 submissions from 3 submitters: Uncertain significance (2); Likely benign (1). Last evaluated 2024-05-10.

Conditions:
Koolen-de Vries syndrome (KDVS). Identifiers: Orphanet 96169, MedGen C1864871, MONDO:0012496, OMIM 610443.

Allele frequency attached by ClinVar (database versions not stated): ExAC 0.00002; gnomAD exomes 0.00002 and 0.00004; TOPMed 0.00002; gnomAD 0.00003.
gnomAD v4.1: 62 of 1,612,792 alleles (0.0038%); highest among the groups gnomAD compares: Middle Eastern, 0.033%; no homozygotes.

Submissions (3):

Fulgent Genetics
Classification: Uncertain significance for Koolen-de Vries syndrome. Last evaluated: 2024-05-10. Review status: criteria provided, single submitter. Criteria: ACMG Guidelines, 2015. Collection method: clinical testing. Allele origin: germline.

Labcorp Genetics (formerly Invitae), Labcorp
Classification: Uncertain significance for Koolen-de Vries syndrome. Last evaluated: 2021-08-17. Review status: criteria provided, single submitter. Criteria: Invitae Variant Classification Sherloc (09022015). Collection method: clinical testing. Allele origin: germline.
Comment: Due to the possible presence of a polymorphic segmental duplication, the location of the variant could not be unambiguously resolved. Variants with ambiguous mapping are still reported relative to the KANSL1 transcript. This sequence change replaces arginine with glutamine at codon 19 of the KANSL1 protein (p.Arg19Gln). The arginine residue is highly conserved and there is a small physicochemical difference between arginine and glutamine. The frequency data for this variant in the population databases (ExAC) is considered unreliable due to the presence of homologous sequence, such as pseudogenes or paralogs, in the genome. This variant has not been reported in the literature in individuals with KANSL1-related conditions. ClinVar contains an entry for this variant (Variation ID: 380591). Algorithms developed to predict the effect of missense changes on protein structure and function are either unavailable or do not agree on the potential impact of this missense change (SIFT: "Deleterious"; PolyPhen-2: "Probably Damaging"; Align-GVGD: "Class C0"). Until the location of this sequence change can be resolved, the clinical significance of this variant remains uncertain. It has been classified as a Variant of Uncertain Significance.

GeneDx
Classification: Likely benign. Last evaluated: 2015-09-14. Review status: criteria provided, single submitter. Criteria: GeneDx Variant Classification (06012015). Collection method: clinical testing. Allele origin: germline. Affected: yes.
Comment: This variant is considered likely benign or benign based on one or more of the following criteria: it is a conservative change, it occurs at a poorly conserved position in the protein, it is predicted to be benign by multiple in silico algorithms, and/or has population frequency not consistent with disease.